The following is an entry in ClinVar:

NM_152756.5(RICTOR):c.1083T>C (p.Ser361=)

Gene: RICTOR (RPTOR independent companion of MTOR complex 2; minus strand). Cytogenetic location: 5p13.1.
Variant type: single nucleotide variant.
Coding change: c.1083T>C on transcript NM_152756.5 (MANE Select); coding-DNA position 1083, T replaced by C.
Protein change: p.Ser361=; no amino-acid change (serine 361 retained).
Molecular consequence: synonymous variant.
Genome position (GRCh38, 1-based): chr5:38,967,405, A>G on the plus strand (T>C on the coding strand, the complement: RICTOR is on the minus strand). VCF-style: chr5-38967405-A-G. GRCh37 (hg19) VCF-style: chr5-38967507-A-G.
Other names: c.1083T>C, p.Ser361= (NM_001285439.2); c.228T>C, p.Ser76= (NM_001285440.2).
Identifiers: ClinVar variation 2655439 (VCV002655439.24), dbSNP rs761011163, ClinGen allele CA3245507.

ClinVar aggregate classification (germline): Likely benign (1 of 4 stars; one submission).

Allele frequency attached by ClinVar (database versions not stated): ExAC 0.00001; gnomAD exomes 0.00001; TOPMed 0.00001; gnomAD 0.00002.
gnomAD v4.1: 22 of 1,613,374 alleles (0.0014%); highest among the groups gnomAD compares: Middle Eastern, 0.049%; 1 homozygote.

Submission:

CeGaT Center for Human Genetics Tuebingen
Classification: Likely benign. Last evaluated: 2022-09-01. Review status: criteria provided, single submitter. Criteria: CeGaT Center For Human Genetics Tuebingen Variant Classification Criteria Version 2. Collection method: clinical testing. Allele origin: germline. Affected: yes. Observed: 1 variant allele.
Comment: RICTOR: BP4, BP7